The following is an entry in ClinVar:

NM_031935.3(HMCN1):c.3422G>A (p.Arg1141His)

Gene: HMCN1 (hemicentin 1; plus strand). Cytogenetic location: 1q31.1.
Variant type: single nucleotide variant.
Coding change: c.3422G>A on transcript NM_031935.3 (MANE Select); coding-DNA position 3422, G replaced by A.
Protein change: p.Arg1141His; replaces arginine 1141 with histidine.
Molecular consequence: missense variant.
Genome position (GRCh38, 1-based): chr1:185,993,226, G>A. VCF-style: chr1-185993226-G-A. GRCh37 (hg19) VCF-style: chr1-185962358-G-A.
Other names: short protein forms R1141H.
Identifiers: ClinVar variation 294130 (VCV000294130.10), dbSNP rs370518238, ClinGen allele CA1291717.

ClinVar aggregate classification (germline): Uncertain significance. Review status: criteria provided, multiple submitters, no conflicts (2 of 4 stars). 3 submissions from 3 submitters: Uncertain significance (3). Last evaluated 2025-08-06.

Conditions:
Age related macular degeneration 1 (ARMD1). Also called: MACULOPATHY, AGE-RELATED, 1. Identifiers: MedGen C1864205, MONDO:0011285, OMIM 603075.

Allele frequency attached by ClinVar (database versions not stated): ExAC 0.00002; TOPMed 0.00005; gnomAD 0.00007; ESP Exome Variant Server 0.00015.
gnomAD v4.1: 98 of 1,612,464 alleles (0.0061%); highest among the groups gnomAD compares: Non-Finnish European, 0.0077%; no homozygotes.

Submissions (3):

Labcorp Genetics (formerly Invitae), Labcorp
Classification: Uncertain significance. Last evaluated: 2025-08-06. Review status: criteria provided, single submitter. Criteria: Invitae Variant Classification Sherloc (09022015). Collection method: clinical testing. Allele origin: germline.
Comment: This sequence change replaces arginine, which is basic and polar, with histidine, which is basic and polar, at codon 1141 of the HMCN1 protein (p.Arg1141His). This variant is present in population databases (rs370518238, gnomAD 0.007%). This variant has not been reported in the literature in individuals affected with HMCN1-related conditions. ClinVar contains an entry for this variant (Variation ID: 294130). An algorithm developed to predict the effect of missense changes on protein structure and function (PolyPhen-2) suggests that this variant is likely to be disruptive. In summary, the available evidence is currently insufficient to determine the role of this variant in disease. Therefore, it has been classified as a Variant of Uncertain Significance.

Genome-Nilou Lab
Classification: Uncertain significance for Age related macular degeneration 1. Last evaluated: 2023-04-11. Review status: criteria provided, single submitter. Criteria: ACMG Guidelines, 2015. Collection method: clinical testing. Allele origin: germline. Affected: no.

Illumina Laboratory Services, Illumina
Classification: Uncertain significance for Age related macular degeneration 1. Last evaluated: 2018-01-12. Review status: criteria provided, single submitter. Criteria: ICSL Variant Classification Criteria 13 December 2019. Collection method: clinical testing. Allele origin: germline.